The following is an entry in ClinVar:

ClinVar aggregate classification (germline): Uncertain significance. Review status: criteria provided, multiple submitters, no conflicts (2 of 4 stars). 2 submissions from 2 submitters: Uncertain significance (2). Last evaluated 2025-05-28.

Conditions:
Hermansky-Pudlak syndrome 2 (HPS2). Also called: Platelet defects and oculocutaneous albinism. Identifiers: Orphanet 183678, Orphanet 79430, MedGen C1842362, MONDO:0011997, OMIM 608233.
Inborn genetic diseases. Identifiers: MedGen C0950123, MeSH D030342.

Allele frequency attached by ClinVar (database versions not stated): gnomAD exomes below 0.00001.
gnomAD v4.1: 3 of 1,614,186 alleles (0.00019%); highest among the groups gnomAD compares: Middle Eastern, 0.016%; no homozygotes.

Submissions (2):

Ambry Genetics
Classification: Uncertain significance for Inborn genetic diseases. Last evaluated: 2025-05-28. Review status: criteria provided, single submitter. Criteria: Ambry Variant Classification Scheme 2023. Collection method: clinical testing. Allele origin: germline.

Labcorp Genetics (formerly Invitae), Labcorp
Classification: Uncertain significance for Hermansky-Pudlak syndrome 2. Last evaluated: 2022-01-13. Review status: criteria provided, single submitter. Criteria: Invitae Variant Classification Sherloc (09022015). Collection method: clinical testing. Allele origin: germline.
Comment: This sequence change replaces glutamic acid, which is acidic and polar, with lysine, which is basic and polar, at codon 699 of the AP3B1 protein (p.Glu699Lys). In summary, the available evidence is currently insufficient to determine the role of this variant in disease. Therefore, it has been classified as a Variant of Uncertain Significance. Algorithms developed to predict the effect of missense changes on protein structure and function output the following: SIFT: "Tolerated"; PolyPhen-2: "Benign"; Align-GVGD: "Class C0". The lysine amino acid residue is found in multiple mammalian species, which suggests that this missense change does not adversely affect protein function. This variant has not been reported in the literature in individuals affected with AP3B1-related conditions. This variant is not present in population databases (gnomAD no frequency).

NM_003664.5(AP3B1):c.2095G>A (p.Glu699Lys)

Gene: AP3B1 (adaptor related protein complex 3 subunit beta 1; minus strand). Cytogenetic location: 5q14.1.
Variant type: single nucleotide variant.
Coding change: c.2095G>A on transcript NM_003664.5 (MANE Select); coding-DNA position 2095, G replaced by A.
Protein change: p.Glu699Lys; replaces glutamic acid 699 with lysine.
Molecular consequence: missense variant.
Genome position (GRCh38, 1-based): chr5:78,113,906, C>T on the plus strand (G>A on the coding strand, the complement: AP3B1 is on the minus strand). VCF-style: chr5-78113906-C-T. GRCh37 (hg19) VCF-style: chr5-77409730-C-T.
Other names: c.1948G>A, p.Glu650Lys (NM_001271769.2); c.2095G>A, p.Glu699Lys (NM_001410752.1); c.2095G>A (NM_003664.3); short protein forms E650K, E699K.
Identifiers: ClinVar variation 2184619 (VCV002184619.5), dbSNP rs1751706695, ClinGen allele CA360184196.
Genomic context (GRCh38, chr5:78,113,906, plus strand): 5'-CCTCACTGCTGTCCTCATTGCTGTCTCCTTCCTCCCCACTTTCGCCTTGTTCTCCACTTT[C>T]ACTTCCAGATTCACTCTCTGAAAAACAGAACCAGATGTTCTTAGATTTATAGTCATTTAA-3'
Protein context (NP_003655.3, residues 689-709): SSDSESESGS[Glu699Lys]SGEQGESGEE